The following is an entry in ClinVar:

ClinVar aggregate classification (germline): Benign/Likely benign. Review status: criteria provided, multiple submitters, no conflicts (2 of 4 stars). 6 submissions from 6 submitters: Benign (2); Likely benign (1). 3 of the submissions do not count toward it. Last evaluated 2026-01-24.

Conditions:
Inborn genetic diseases. Identifiers: MedGen C0950123, MeSH D030342.
Angelman syndrome-like. Identifiers: MedGen CN128785.
Developmental and epileptic encephalopathy, 2 (DEE2). Also called: INFANTILE SPASM SYNDROME, X-LINKED 2; CDKL5 deficiency disorder. Identifiers: Orphanet 1934, Orphanet 3451, Orphanet 505652, MedGen C4750718, MONDO:0010396, OMIM 300672.
CDKL5-related disorder.

Allele frequency attached by ClinVar (database versions not stated): TOPMed 0.00002; gnomAD 0.00004; gnomAD exomes 0.00026 and 0.00050; 1000 Genomes Project 0.00053; ExAC 0.00057; 1000 Genomes Project 30x 0.00062.
gnomAD v4.1: 280 of 1,192,786 alleles (0.023%); highest among the groups gnomAD compares: South Asian, 0.48%; no homozygotes.

Submissions (6):

Labcorp Genetics (formerly Invitae), Labcorp
Classification: Benign for Developmental and epileptic encephalopathy, 2; Angelman syndrome-like. Last evaluated: 2026-01-24. Review status: criteria provided, single submitter. Criteria: Invitae Variant Classification Sherloc (09022015). Collection method: clinical testing. Allele origin: germline.

GeneDx
Classification: Likely benign. Last evaluated: 2021-06-01. Review status: criteria provided, single submitter. Criteria: GeneDx Variant Classification Process June 2021. Collection method: clinical testing. Allele origin: germline. Affected: yes.

Ambry Genetics
Classification: Benign for Inborn genetic diseases. Last evaluated: 2017-10-13. Review status: criteria provided, single submitter. Criteria: Ambry Variant Classification Scheme 2023. Collection method: clinical testing. Allele origin: germline.

PreventionGenetics, part of Exact Sciences
Classification: Likely benign for CDKL5-related condition. Last evaluated: 2019-04-01. Review status: no assertion criteria provided. Collection method: clinical testing. Allele origin: germline. Not counted in ClinVar's aggregate classification.
Comment: This variant is classified as likely benign based on ACMG/AMP sequence variant interpretation guidelines (Richards et al. 2015 PMID: 25741868, with internal and published modifications).

Clinical Genetics DNA and cytogenetics Diagnostics Lab, Erasmus MC, Erasmus Medical Center
Classification: Likely benign. Review status: no assertion criteria provided. Collection method: clinical testing. Allele origin: germline. Affected: yes. Study: VKGL Data-share Consensus. Not counted in ClinVar's aggregate classification.

Genome Diagnostics Laboratory, University Medical Center Utrecht
Classification: Likely benign. Review status: no assertion criteria provided. Collection method: clinical testing. Allele origin: germline. Affected: yes. Study: VKGL Data-share Consensus. Not counted in ClinVar's aggregate classification.

NM_001323289.2(CDKL5):c.2022C>G (p.Ser674=)

Gene: CDKL5 (cyclin dependent kinase like 5; plus strand). Cytogenetic location: Xp22.13.
Variant type: single nucleotide variant.
Coding change: c.2022C>G on transcript NM_001323289.2 (MANE Select); coding-DNA position 2022, C replaced by G.
Protein change: p.Ser674=; no amino-acid change (serine 674 retained).
Molecular consequence: synonymous variant.
Genome position (GRCh38, 1-based): chrX:18,608,888, C>G. VCF-style: chrX-18608888-C-G. GRCh37 (hg19) VCF-style: chrX-18627008-C-G.
Other names: c.2022C>G, p.Ser674= (NM_001037343.2, NM_003159.3).
Identifiers: ClinVar variation 1165086 (VCV001165086.15), dbSNP rs763419895, ClinGen allele CA10360441.
Genomic context (GRCh38, chrX:18,608,888, plus strand): 5'-TCCAGAGATGACTGTGGCAAGATCTTCGGTCAAAGAGACCTCCAGAGAAGGCACCTCTTC[C>G]TTCCATACACGCCAGAAGTCTGAGGTATGTCACAATAAAATATGCCTGTAAACATTTGTT-3'
Protein context (NP_001310218.1, residues 664-684): VKETSREGTS[Ser674=]FHTRQKSEGG